The following is an entry in ClinVar:

ClinVar aggregate classification (germline): Conflicting classifications of pathogenicity. Review status: criteria provided, conflicting classifications (1 of 4 stars). 3 submissions from 3 submitters: Uncertain significance (2); Likely benign (1). Last evaluated 2026-04-01.

Conditions:
Inborn genetic diseases. Identifiers: MedGen C0950123, MeSH D030342.

gnomAD v4.1: 48 of 1,612,522 alleles (0.003%); highest among the groups gnomAD compares: Middle Eastern, 0.033%; no homozygotes.

Submissions (3):

CeGaT Center for Human Genetics Tuebingen
Classification: Uncertain significance. Last evaluated: 2026-04-01. Review status: criteria provided, single submitter. Criteria: CeGaT Center For Human Genetics Tuebingen Variant Classification Criteria Version 2. Collection method: clinical testing. Allele origin: germline. Affected: yes. Observed: 1 variant allele.
Comment: CC2D1A: PM2

Ambry Genetics
Classification: Likely benign for Inborn genetic diseases. Last evaluated: 2025-01-29. Review status: criteria provided, single submitter. Criteria: Ambry Variant Classification Scheme 2023. Collection method: clinical testing. Allele origin: germline.

Blueprint Genetics
Classification: Uncertain significance. Last evaluated: 2024-02-21. Review status: criteria provided, single submitter. Criteria: ACMG Guidelines, 2015. Collection method: clinical testing. Allele origin: germline.

NM_017721.5(CC2D1A):c.2842C>T (p.Arg948Trp)

Gene: CC2D1A (coiled-coil and C2 domain containing 1A; plus strand). Cytogenetic location: 19p13.12.
Variant type: single nucleotide variant.
Coding change: c.2842C>T on transcript NM_017721.5 (MANE Select); coding-DNA position 2842, C replaced by T.
Protein change: p.Arg948Trp; replaces arginine 948 with tryptophan.
Molecular consequence: missense variant.
Genome position (GRCh38, 1-based): chr19:13,930,381, C>T. VCF-style: chr19-13930381-C-T. GRCh37 (hg19) VCF-style: chr19-14041194-C-T.
Other names: c.2839C>T, p.Arg947Trp (NM_001411138.1); short protein forms R947W, R948W.
Identifiers: ClinVar variation 3485752 (VCV003485752.5).